The following is an entry in ClinVar:

NM_014225.6(PPP2R1A):c.544C>T (p.Arg182Trp)

Gene: PPP2R1A (protein phosphatase 2 scaffold subunit Aalpha; plus strand). Cytogenetic location: 19q13.41.
Variant type: single nucleotide variant.
Coding change: c.544C>T on transcript NM_014225.6 (MANE Select); coding-DNA position 544, C replaced by T.
Protein change: p.Arg182Trp; replaces arginine 182 with tryptophan.
Molecular consequence: missense variant. On other transcripts: non-coding transcript variant (1).
Genome position (GRCh38, 1-based): chr19:52,212,726, C>T. VCF-style: chr19-52212726-C-T. GRCh37 (hg19) VCF-style: chr19-52715979-C-T.
Other names: c.7C>T, p.Arg3Trp (NM_001363656.2); short protein forms R182W, R3W.
Identifiers: ClinVar variation 190312 (VCV000190312.28), dbSNP rs786205227, ClinGen allele CA199662.

ClinVar aggregate classification (germline): Pathogenic/Likely pathogenic. Review status: criteria provided, multiple submitters, no conflicts (2 of 4 stars). 13 submissions from 13 submitters: Pathogenic (11); Likely pathogenic (1). 1 of the submissions does not count toward it. Last evaluated 2026-08-01.

Conditions:
Cerebral cortex disorder. Also called: Cerebral cortex disease. Identifiers: MedGen C1263847, MONDO:0044996.
PPP2R1A-related disorder.
Inborn genetic diseases. Identifiers: MedGen C0950123, MeSH D030342.
Houge-Janssens syndrome 2. Also called: INTELLECTUAL DEVELOPMENTAL DISORDER, AUTOSOMAL DOMINANT 36; Microcephaly-corpus callosum hypoplasia-intellectual disability-facial dysmorphism syndrome; PPP2R1A-Related Neurodevelopmental Disorder. Identifiers: Orphanet 457284, MedGen C4225352, MONDO:0014605, OMIM 616362.

Submissions (13):

CeGaT Center for Human Genetics Tuebingen
Classification: Pathogenic. Last evaluated: 2026-08-01. Review status: criteria provided, single submitter. Criteria: CeGaT Center For Human Genetics Tuebingen Variant Classification Criteria Version 2. Collection method: clinical testing. Allele origin: germline. Affected: yes. Observed: 1 variant allele.
Comment: PPP2R1A: PS2:Very Strong, PM2, PP2

Labcorp Genetics (formerly Invitae), Labcorp
Classification: Pathogenic. Last evaluated: 2025-12-08. Review status: criteria provided, single submitter. Criteria: Invitae Variant Classification Sherloc (09022015). Collection method: clinical testing. Allele origin: germline.
Comment: This sequence change replaces arginine, which is basic and polar, with tryptophan, which is neutral and slightly polar, at codon 182 of the PPP2R1A protein (p.Arg182Trp). This variant is not present in population databases (gnomAD no frequency). This missense change has been observed in individual(s) with intellectual disability and developmental delay (PMID: 25533962, 26168268). In at least one individual the variant was observed to be de novo. ClinVar contains an entry for this variant (Variation ID: 190312). Invitae Evidence Modeling of protein sequence and biophysical properties (such as structural, functional, and spatial information, amino acid conservation, physicochemical variation, residue mobility, and thermodynamic stability) indicates that this missense variant is expected to disrupt PPP2R1A protein function with a positive predictive value of 80%. Experimental studies have shown that this missense change affects PPP2R1A function (PMID: 26168268). For these reasons, this variant has been classified as Pathogenic.

3billion
Classification: Pathogenic for Houge-Janssens syndrome 2. Last evaluated: 2025-09-02. Review status: criteria provided, single submitter. Criteria: ACMG Guidelines, 2015. Collection method: clinical testing. Allele origin: germline. Affected: yes.
Comment: The variant is not observed in the gnomAD v4.1.0 dataset. Predicted Consequence/Location: Missense variant. Missense changes are a common disease-causing mechanism. In silico tool predictions suggest damaging effect of the variant on gene or gene product [3Cnet: 0.90 (> 0.75, sensitivity 0.96 and precision 0.92)]. The same nucleotide change resulting in the same amino acid change has been previously reported as pathogenic/likely pathogenic with strong evidence (ClinVar ID: VCV000190312 /3billion dataset). The variant has been previously reported as de novo in a similarly affected individual (PMID: 25533962). A different missense change at the same codon (p.Arg182Gln) has been reported to be associated with PPP2R1A-related disorder (ClinVar ID: VCV003649140). Therefore, this variant is classified as Pathogenic according to the recommendation of ACMG/AMP guideline.

Daryl Scott Lab, Baylor College of Medicine
Classification: Pathogenic for Houge-Janssens syndrome 2. Last evaluated: 2025-08-25. Review status: criteria provided, single submitter. Criteria: ACMG Guidelines, 2015. Collection method: clinical testing. Allele origin: de novo. Affected: yes. Observed: 1 heterozygote.
Comment: PS2, PS4, PM2, PP3

GeneDx
Classification: Pathogenic. Last evaluated: 2022-07-18. Review status: criteria provided, single submitter. Criteria: GeneDx Variant Classification Process June 2021. Collection method: clinical testing. Allele origin: germline. Affected: yes.
Comment: Published functional studies demonstrate that R182W affects PP2A holoenzyme formation through the disruption of PR72 binding, which results in decreased PP2A phosphatase activity compared to wild type (PMID: 26168268); In silico analysis supports that this missense variant has a deleterious effect on protein structure/function; Not observed in large population cohorts (gnomAD); This variant is associated with the following publications: (PMID: 28628100, 28867141, 28135719, 32565546, 31785789, 36209351, 36307859, 33057194, 36672867, 35982159, 33106617, 34958143, 25533962, 26168268)

AURAGEN, Plan France Médecine Génomique
Classification: Pathogenic for Cerebral cortex disorder. Last evaluated: 2021-10-20. Review status: criteria provided, single submitter. Criteria: PFMG2025 (Lancet Reg Health Eur. 2025). Collection method: clinical testing. Allele origin: germline. Affected: yes.

Ambry Genetics
Classification: Pathogenic for Inborn genetic diseases. Last evaluated: 2021-01-26. Review status: criteria provided, single submitter. Criteria: Ambry Variant Classification Scheme 2023. Collection method: clinical testing. Allele origin: germline.
Comment: The c.544C>T (p.R182W) alteration is located in coding exon 5 of the PPP2R1A gene. This alteration results from a C to T substitution at nucleotide position 544, causing the arginine (R) at amino acid position 182 to be replaced by a tryptophan (W). Based on data from the Genome Aggregation Database (gnomAD), the PPP2R1A c.544C>T alteration was not observed, with coverage at this position. This alteration has been reported to occur de novo in multiple unrelated patients with a neurodevelopmental disorder. Common clinical findings include developmental delay, lack of ambulation, hypotonia, anomalies of the corpus callosum, and epilepsy (Houge, 2015; Lenaerts, 2020). The p.R182 amino acid is conserved in available vertebrate species. Functional studies demonstrated in vitro that protein with this alteration had defective interaction and binding to other subunits of the PP2A holoenzyme, impairing the formation of PP2A, and decreasing the phosphatase activity of the enzyme (Houge, 2015; Lenaerts, 2020). The in silico prediction for the p.R182W alteration is inconclusive. Based on the available evidence, this alteration is classified as pathogenic.

Institute of Human Genetics, University of Leipzig Medical Center
Classification: Pathogenic for Houge-Janssens syndrome 2. Last evaluated: 2019-12-03. Review status: criteria provided, single submitter. Criteria: ACMG Guidelines, 2015. Collection method: clinical testing. Allele origin: de novo. Affected: yes. Observed: 1 variant allele.
Comment: This variant was identified as de novo (maternity and paternity confirmed).

Blueprint Genetics
Classification: Pathogenic for PPP2R1A-related disorders. Last evaluated: 2019-11-29. Review status: criteria provided, single submitter. Criteria: ACMG Guidelines, 2015. Collection method: clinical testing. Allele origin: de novo. Affected: yes. Observed: 1 variant allele.

Rady Children's Institute for Genomic Medicine, Rady Children's Hospital San Diego
Classification: Pathogenic for MENTAL RETARDATION, AUTOSOMAL DOMINANT 36. Last evaluated: 2019-10-09. Review status: criteria provided, single submitter. Criteria: ACMG Guidelines, 2015. Collection method: clinical testing. Allele origin: germline. Affected: yes.
Comment: This variant has been previously reported as a de novo change in multiple patients with intellectual disability, agenesis of the corpus callosum, and dysmorphic facies (PMID: 25533962, 26168268, 28628100). Cellular binding assays revealed that p.Arg182Trp affected PP2A holoenzyme formation, dephosphorylation dynamics, and link PP2A dysfunction to congenital brain dysfunction (PMID: 26168268). The variant is absent from the ExAC and gnomAD population databases and thus is presumed to be rare. ClinVar contains an entry for the variant (Variation ID: 190312). The c.544C>T (p.Arg182Trp) variant affects a highly conserved amino acid and is predicted by multiple in silico tools to have a deleterious effect on protein function. Analysis of the parental samples was negative for the variant, indicating this variant likely occurred as a de novo event. Based on the available evidence, the c.544C>T (p.Arg182Trp) variant is classified as Pathogenic.

Fulgent Genetics
Classification: Likely pathogenic for Houge-Janssens syndrome 2. Last evaluated: 2018-10-31. Review status: criteria provided, single submitter. Criteria: ACMG Guidelines, 2015. Collection method: clinical testing. Allele origin: unknown.

Institute of Human Genetics Munich, TUM University Hospital
Classification: Pathogenic for Houge-Janssens syndrome 2. Last evaluated: 2017-11-08. Review status: criteria provided, single submitter. Criteria: Classification criteria August 2017. Collection method: clinical testing. Allele origin: de novo. Inheritance: Autosomal dominant inheritance. Affected: yes. Observed: 1 heterozygote.

OMIM
Classification: Pathogenic for HOUGE-JANSSENS SYNDROME 2. Last evaluated: 2015-08-03. Review status: no assertion criteria provided. Collection method: literature only. Allele origin: germline. Not counted in ClinVar's aggregate classification.

Literature cited by the submitters: PubMed 25533962 (cited by 3 submitters); PubMed 26168268 (cited by 3 submitters); PubMed 33106617 (cited by Ambry Genetics).